The following is an entry in ClinVar:

NM_001017420.3(ESCO2):c.1094G>A (p.Arg365Lys)

Gene: ESCO2 (establishment of sister chromatid cohesion N-acetyltransferase 2; plus strand). Cytogenetic location: 8p21.1.
Variant type: single nucleotide variant.
Coding change: c.1094G>A on transcript NM_001017420.3 (MANE Select); coding-DNA position 1094, G replaced by A.
Protein change: p.Arg365Lys; replaces arginine 365 with lysine.
Molecular consequence: missense variant.
Genome position (GRCh38, 1-based): chr8:27,787,965, G>A. VCF-style: chr8-27787965-G-A. GRCh37 (hg19) VCF-style: chr8-27645482-G-A.
Other names: short protein forms R365K.
Identifiers: ClinVar variation 281401 (VCV000281401.26), dbSNP rs144288263, ClinGen allele CA4692212.
Genomic context (GRCh38, chr8:27,787,965, plus strand): 5'-TTTCTGTGGGATCTGTCAACTTCATGAAACAGACCAATATCCAGAAAAATACTAATACCA[G>A]AGATACAAGTAAAAAAACAAAAGACCAGCTCATCATCGTGAGTAAATTCCAAACAAAGCT-3'
Protein context (NP_001017420.1, residues 355-375): QTNIQKNTNT[Arg365Lys]DTSKKTKDQL

ClinVar aggregate classification (germline): Benign/Likely benign. Review status: criteria provided, multiple submitters, no conflicts (2 of 4 stars). 7 submissions from 7 submitters: Benign (2); Likely benign (4). 1 of the submissions does not count toward it. Last evaluated 2026-09-01.

Conditions:
Roberts-SC phocomelia syndrome (RBS). Also called: ESCO2 Spectrum Disorder; Hypomelia hypotrichosis facial hemangioma syndrome; Pseudothalidomide syndrome; Appelt-Gerken-Lenz syndrome; LONG BONE DEFICIENCIES ASSOCIATED WITH CLEFT LIP-PALATE. Identifiers: MedGen C0392475, MONDO:0100253, OMIM 268300, Orphanet 3103.
ESCO2-related disorder. Also called: ESCO2-related condition.

Allele frequency attached by ClinVar (database versions not stated): 1000 Genomes Project 30x 0.00047; 1000 Genomes Project 0.00060; TOPMed 0.00194; ESP Exome Variant Server 0.00215; gnomAD exomes 0.00239 and 0.00333; ExAC 0.00258; gnomAD 0.00263 and 0.00277.
gnomAD v4.1: 5,218 of 1,613,554 alleles (0.32%); highest among the groups gnomAD compares: Non-Finnish European, 0.38%; 11 homozygotes.

Submissions (7):

CeGaT Center for Human Genetics Tuebingen
Classification: Likely benign. Last evaluated: 2026-09-01. Review status: criteria provided, single submitter. Criteria: CeGaT Center For Human Genetics Tuebingen Variant Classification Criteria Version 2. Collection method: clinical testing. Allele origin: germline. Affected: yes. Observed: 2 variant alleles.
Comment: ESCO2: BP4, BS2

Labcorp Genetics (formerly Invitae), Labcorp
Classification: Benign. Last evaluated: 2026-02-01. Review status: criteria provided, single submitter. Criteria: Invitae Variant Classification Sherloc (09022015). Collection method: clinical testing. Allele origin: germline.

Genomic Medicine Center of Excellence, King Faisal Specialist Hospital and Research Centre
Classification: Likely benign. Last evaluated: 2025-08-18. Review status: criteria provided, single submitter. Criteria: ACMG Guidelines, 2015. Collection method: clinical testing. Allele origin: germline.

Blueprint Genetics
Classification: Likely benign. Last evaluated: 2024-11-20. Review status: criteria provided, single submitter. Criteria: ACMG Guidelines, 2015. Collection method: clinical testing. Allele origin: germline.

Illumina Laboratory Services, Illumina
Classification: Likely benign for Roberts-SC phocomelia syndrome. Last evaluated: 2018-01-12. Review status: criteria provided, single submitter. Criteria: ICSL Variant Classification Criteria 13 December 2019. Collection method: clinical testing. Allele origin: germline.
Comment: This variant was observed in the ICSL laboratory as part of a predisposition screen in an ostensibly healthy population. It had not been previously curated by ICSL or reported in the Human Gene Mutation Database (HGMD: prior to June 1st, 2018), and was therefore a candidate for classification through an automated scoring system. Utilizing variant allele frequency, disease prevalence and penetrance estimates, and inheritance mode, an automated score was calculated to assess if this variant is too frequent to cause the disease. Based on the score and internal cut-off values, a variant classified as likely benign is not then subjected to further curation. The score for this variant resulted in a classification of likely benign for this disease.

Eurofins Ntd Llc (ga)
Classification: Benign. Last evaluated: 2015-06-18. Review status: criteria provided, single submitter. Criteria: EGL Classification Definitions 2015. Collection method: clinical testing. Allele origin: germline. Observed: 1 variant allele, 1 heterozygote.

PreventionGenetics, part of Exact Sciences
Classification: Benign for ESCO2-related condition. Last evaluated: 2019-08-02. Review status: no assertion criteria provided. Collection method: clinical testing. Allele origin: germline. Not counted in ClinVar's aggregate classification.
Comment: This variant is classified as benign based on ACMG/AMP sequence variant interpretation guidelines (Richards et al. 2015 PMID: 25741868, with internal and published modifications).